The following is an entry in ClinVar:

NM_006269.2(RP1):c.2734A>G (p.Ile912Val)

Gene: RP1 (RP1 axonemal microtubule associated; plus strand). Cytogenetic location: 8q12.1.
Variant type: single nucleotide variant.
Coding change: c.2734A>G on transcript NM_006269.2 (MANE Select); coding-DNA position 2734, A replaced by G.
Protein change: p.Ile912Val; replaces isoleucine 912 with valine.
Molecular consequence: missense variant. On other transcripts: intron variant (1).
Genome position (GRCh38, 1-based): chr8:54,626,616, A>G. VCF-style: chr8-54626616-A-G. GRCh37 (hg19) VCF-style: chr8-55539176-A-G.
Other names: c.787+4328A>G (NM_001375654.1); short protein forms I912V.
Identifiers: ClinVar variation 1470117 (VCV001470117.8), dbSNP rs1472113981, ClinGen allele CA370994504.

ClinVar aggregate classification (germline): Uncertain significance (1 of 4 stars; one submission).

Allele frequency attached by ClinVar (database versions not stated): gnomAD exomes 0.00001; TOPMed 0.00001.
gnomAD v4.1: 10 of 1,613,640 alleles (0.00062%); highest among the groups gnomAD compares: Admixed American, 0.0017%; no homozygotes.

Submission:

Labcorp Genetics (formerly Invitae), Labcorp
Classification: Uncertain significance. Last evaluated: 2023-02-20. Review status: criteria provided, single submitter. Criteria: Invitae Variant Classification Sherloc (09022015). Collection method: clinical testing. Allele origin: germline.
Comment: In summary, the available evidence is currently insufficient to determine the role of this variant in disease. Therefore, it has been classified as a Variant of Uncertain Significance. Algorithms developed to predict the effect of missense changes on protein structure and function output the following: SIFT: "Not Available"; PolyPhen-2: "Benign"; Align-GVGD: "Not Available". The valine amino acid residue is found in multiple mammalian species, which suggests that this missense change does not adversely affect protein function. ClinVar contains an entry for this variant (Variation ID: 1470117). This variant has not been reported in the literature in individuals affected with RP1-related conditions. This variant is present in population databases (no rsID available, gnomAD 0.007%). This sequence change replaces isoleucine, which is neutral and non-polar, with valine, which is neutral and non-polar, at codon 912 of the RP1 protein (p.Ile912Val).